The following is an entry in ClinVar:

ClinVar aggregate classification (germline): Uncertain significance (1 of 4 stars; one submission).

Submission:

Labcorp Genetics (formerly Invitae), Labcorp
Classification: Uncertain significance. Last evaluated: 2022-03-04. Review status: criteria provided, single submitter. Criteria: Invitae Variant Classification Sherloc (09022015). Collection method: clinical testing. Allele origin: germline.
Comment: In summary, the available evidence is currently insufficient to determine the role of this variant in disease. Therefore, it has been classified as a Variant of Uncertain Significance. Advanced modeling of protein sequence and biophysical properties (such as structural, functional, and spatial information, amino acid conservation, physicochemical variation, residue mobility, and thermodynamic stability) performed at Invitae indicates that this missense variant is not expected to disrupt KRT16 protein function. This variant has not been reported in the literature in individuals affected with KRT16-related conditions. This variant is present in population databases (rs759285850, gnomAD 0.004%). This sequence change replaces glutamic acid, which is acidic and polar, with aspartic acid, which is acidic and polar, at codon 362 of the KRT16 protein (p.Glu362Asp).

NM_005557.4(KRT16):c.1086G>T (p.Glu362Asp)

Gene: KRT16 (keratin 16; minus strand). Cytogenetic location: 17q21.2.
Variant type: single nucleotide variant.
Coding change: c.1086G>T on transcript NM_005557.4 (MANE Select); coding-DNA position 1086, G replaced by T.
Protein change: p.Glu362Asp; replaces glutamic acid 362 with aspartic acid.
Molecular consequence: missense variant.
Genome position (GRCh38, 1-based): chr17:41,610,525, C>A on the plus strand (G>T on the coding strand, the complement: KRT16 is on the minus strand). VCF-style: chr17-41610525-C-A. GRCh37 (hg19) VCF-style: chr17-39766777-C-A.
Other names: short protein forms E362D.
Identifiers: ClinVar variation 1500606 (VCV001500606.6), dbSNP rs759285850, ClinGen allele CA8562994.